The following is an entry in ClinVar:

ClinVar aggregate classification (germline): Uncertain significance (1 of 4 stars; one submission).

Conditions:
Sulfite oxidase deficiency due to molybdenum cofactor deficiency type C. Also called: Molybdenum cofactor deficiency, complementation group C; Molybdenum cofactor deficiency C. Identifiers: Orphanet 308400, Orphanet 833, MedGen C1854990, MONDO:0014212, OMIM 615501.

Allele frequency attached by ClinVar (database versions not stated): gnomAD 0.00001; TOPMed 0.00001; gnomAD exomes 0.00003; ExAC 0.00010.
gnomAD v4.1: 16 of 1,613,612 alleles (0.00099%); highest among the groups gnomAD compares: Non-Finnish European, 0.0014%; no homozygotes.

Submission:

Labcorp Genetics (formerly Invitae), Labcorp
Classification: Uncertain significance for Sulfite oxidase deficiency due to molybdenum cofactor deficiency type C. Last evaluated: 2021-12-24. Review status: criteria provided, single submitter. Criteria: Invitae Variant Classification Sherloc (09022015). Collection method: clinical testing. Allele origin: germline.
Comment: This sequence change replaces aspartic acid, which is acidic and polar, with asparagine, which is neutral and polar, at codon 181 of the GPHN protein (p.Asp181Asn). This variant is present in population databases (rs779167485, gnomAD 0.01%). This variant has not been reported in the literature in individuals affected with GPHN-related conditions. Algorithms developed to predict the effect of missense changes on protein structure and function (SIFT, PolyPhen-2, Align-GVGD) all suggest that this variant is likely to be tolerated. In summary, the available evidence is currently insufficient to determine the role of this variant in disease. Therefore, it has been classified as a Variant of Uncertain Significance.

NM_020806.5(GPHN):c.541G>A (p.Asp181Asn)

Gene: GPHN (gephyrin; plus strand). Cytogenetic location: 14q23.3.
Variant type: single nucleotide variant.
Coding change: c.541G>A on transcript NM_020806.5 (MANE Select); coding-DNA position 541, G replaced by A.
Protein change: p.Asp181Asn; replaces aspartic acid 181 with asparagine.
Molecular consequence: missense variant.
Genome position (GRCh38, 1-based): chr14:66,922,750, G>A. VCF-style: chr14-66922750-G-A. GRCh37 (hg19) VCF-style: chr14-67389467-G-A.
Other names: c.541G>A, p.Asp181Asn (NM_001024218.2, NM_001377515.1, NM_001377516.1 and 2 more transcripts); c.580G>A, p.Asp194Asn (NM_001377514.1, NM_001377519.1); short protein forms D181N, D194N.
Identifiers: ClinVar variation 2056796 (VCV002056796.4), dbSNP rs779167485, ClinGen allele CA7233782.